The following is an entry in ClinVar:

NM_032043.3(BRIP1):c.1141-2A>C

Gene: BRIP1 (BRCA1 interacting DNA helicase 1; minus strand). Cytogenetic location: 17q23.2.
Variant type: single nucleotide variant.
Coding change: c.1141-2A>C on transcript NM_032043.3 (MANE Select); the canonical splice acceptor site of the intron before coding-DNA position 1141, A replaced by C.
Molecular consequence: splice acceptor variant.
Genome position (GRCh38, 1-based): chr17:61,799,301, T>G on the plus strand (A>C on the coding strand, the complement: BRIP1 is on the minus strand). VCF-style: chr17-61799301-T-G. GRCh37 (hg19) VCF-style: chr17-59876662-T-G.
Identifiers: ClinVar variation 2583428 (VCV002583428.5), dbSNP rs769583916, ClinGen allele CA400483842.

ClinVar aggregate classification (germline): Likely pathogenic. Review status: criteria provided, multiple submitters, no conflicts (2 of 4 stars). 2 submissions from 2 submitters: Likely pathogenic (2). Last evaluated 2023-06-01.

Conditions:
Familial cancer of breast. Also called: BREAST CANCER, FAMILIAL; hereditary breast carcinoma; Hereditary breast cancer. Identifiers: Orphanet 227535, MedGen C0346153, MONDO:0016419, OMIM 114480. Disease mechanism: loss of function.
Fanconi anemia complementation group J. Also called: BRIP1-Related Fanconi Anemia. Identifiers: Orphanet 84, MedGen C1836860, MONDO:0012187, OMIM 609054.

Submissions (2):

Myriad Genetics, Inc.
Classification: Likely pathogenic for Familial cancer of breast. Last evaluated: 2023-06-01. Review status: criteria provided, single submitter. Criteria: Myriad Autosomal Dominant, Autosomal Recessive and X-Linked Classification Criteria (2023). Collection method: clinical testing. Allele origin: unknown.
Comment: This variant is considered likely pathogenic. This variant occurs within a consensus splice junction and is predicted to result in abnormal mRNA splicing of either an out-of-frame exon or an in-frame exon necessary for protein stability and/or normal function.

Labcorp Genetics (formerly Invitae), Labcorp
Classification: Likely pathogenic for Familial cancer of breast; Fanconi anemia complementation group J. Last evaluated: 2023-03-19. Review status: criteria provided, single submitter. Criteria: Invitae Variant Classification Sherloc (09022015). Collection method: clinical testing. Allele origin: germline.
Comment: This variant is not present in population databases (gnomAD no frequency). In summary, the currently available evidence indicates that the variant is pathogenic, but additional data are needed to prove that conclusively. Therefore, this variant has been classified as Likely Pathogenic. Algorithms developed to predict the effect of sequence changes on RNA splicing suggest that this variant may disrupt the consensus splice site. This variant has not been reported in the literature in individuals affected with BRIP1-related conditions. This sequence change affects an acceptor splice site in intron 8 of the BRIP1 gene. It is expected to disrupt RNA splicing. Variants that disrupt the donor or acceptor splice site typically lead to a loss of protein function (PMID: 16199547), and loss-of-function variants in BRIP1 are known to be pathogenic (PMID: 16116423, 17033622, 21964575).

Literature cited by the submitters: PubMed 16199547 (cited by Labcorp Genetics (formerly Invitae), Labcorp); PubMed 16116423 (cited by Labcorp Genetics (formerly Invitae), Labcorp); PubMed 17033622 (cited by Labcorp Genetics (formerly Invitae), Labcorp); PubMed 21964575 (cited by Labcorp Genetics (formerly Invitae), Labcorp).